The following is an entry in ClinVar:

NM_000159.4(GCDH):c.1103C>A (p.Ser368Tyr)

Gene: GCDH (glutaryl-CoA dehydrogenase; plus strand). Cytogenetic location: 19p13.13.
Variant type: single nucleotide variant.
Coding change: c.1103C>A on transcript NM_000159.4 (MANE Select); coding-DNA position 1103, C replaced by A.
Protein change: p.Ser368Tyr; replaces serine 368 with tyrosine.
Molecular consequence: missense variant. On other transcripts: non-coding transcript variant (2).
Genome position (GRCh38, 1-based): chr19:12,897,723, C>A. VCF-style: chr19-12897723-C-A. GRCh37 (hg19) VCF-style: chr19-13008537-C-A.
Other names: c.1103C>A, p.Ser368Tyr (NM_013976.5); short protein forms S368Y.
Identifiers: ClinVar variation 952464 (VCV000952464.10), dbSNP rs1970718775, ClinGen allele CA404321274.

ClinVar aggregate classification (germline): Pathogenic (1 of 4 stars; one submission).

Conditions:
Glutaric aciduria, type 1. Also called: Glutaricacidemia Type 1; Glutaryl-CoA dehydrogenase deficiency; Glutaric acidemia type I; Glutaricaciduria, type I; Glutaric Acidemia Type 1; GA I. Identifiers: Orphanet 25, MedGen C0268595, MONDO:0009281, OMIM 231670.

Submission:

Labcorp Genetics (formerly Invitae), Labcorp
Classification: Pathogenic for Glutaric aciduria, type 1. Last evaluated: 2023-04-28. Review status: criteria provided, single submitter. Criteria: Invitae Variant Classification Sherloc (09022015). Collection method: clinical testing. Allele origin: germline.
Comment: This missense change has been observed in individual(s) with glutaric acidemia type I (Invitae). This variant is not present in population databases (gnomAD no frequency). This sequence change replaces serine, which is neutral and polar, with tyrosine, which is neutral and polar, at codon 368 of the GCDH protein (p.Ser368Tyr). ClinVar contains an entry for this variant (Variation ID: 952464). For these reasons, this variant has been classified as Pathogenic. Advanced modeling of protein sequence and biophysical properties (such as structural, functional, and spatial information, amino acid conservation, physicochemical variation, residue mobility, and thermodynamic stability) performed at Invitae indicates that this missense variant is expected to disrupt GCDH protein function.